The following is an entry in ClinVar:

ClinVar aggregate classification (germline): Uncertain significance. Review status: criteria provided, multiple submitters, no conflicts (2 of 4 stars). 3 submissions from 3 submitters: Uncertain significance (3). Last evaluated 2025-07-08.

Allele frequency attached by ClinVar (database versions not stated): ExAC 0.00001; gnomAD exomes 0.00001; TOPMed 0.00001.
gnomAD v4.1: 3 of 1,614,062 alleles (0.00019%); highest among the groups gnomAD compares: Admixed American, 0.005%; no homozygotes.

Submissions (3):

Labcorp Genetics (formerly Invitae), Labcorp
Classification: Uncertain significance. Last evaluated: 2025-07-08. Review status: criteria provided, single submitter. Criteria: Invitae Variant Classification Sherloc (09022015). Collection method: clinical testing. Allele origin: germline.
Comment: This sequence change replaces phenylalanine, which is neutral and non-polar, with valine, which is neutral and non-polar, at codon 521 of the CLCN6 protein (p.Phe521Val). This variant is present in population databases (rs776387131, gnomAD 0.009%). This variant has not been reported in the literature in individuals affected with CLCN6-related conditions. ClinVar contains an entry for this variant (Variation ID: 1465645). An algorithm developed to predict the effect of missense changes on protein structure and function (PolyPhen-2) suggests that this variant is likely to be disruptive. In summary, the available evidence is currently insufficient to determine the role of this variant in disease. Therefore, it has been classified as a Variant of Uncertain Significance.

Ambry Genetics
Classification: Uncertain significance. Last evaluated: 2025-03-06. Review status: criteria provided, single submitter. Criteria: Ambry Variant Classification Scheme 2023. Collection method: clinical testing. Allele origin: germline.

Women's Health and Genetics/Laboratory Corporation of America, LabCorp
Classification: Uncertain significance. Last evaluated: 2023-01-11. Review status: criteria provided, single submitter. Criteria: LabCorp Variant Classification Summary - May 2015. Collection method: clinical testing. Allele origin: germline.
Comment: Variant summary: CLCN6 c.1561T>G (p.Phe521Val) results in a non-conservative amino acid change in the encoded protein sequence. Five of five in-silico tools predict a damaging effect of the variant on protein function. The variant allele was found at a frequency of 1.2e-05 in 251258 control chromosomes (gnomAD v2.1). The available data on variant occurrences in the general population are insufficient to allow any conclusion about variant significance. To our knowledge, no occurrence of c.1561T>G in individuals affected with Neurodegeneration, Childhood-Onset, With Hypotonia, Respiratory Insufficiency, And Brain Imaging Abnormalities and no experimental evidence demonstrating its impact on protein function have been reported. One clinical diagnostic laboratory has submitted clinical-significance assessments for this variant to ClinVar after 2014 without evidence for independent evaluation, and classified the variant as uncertain significance. Based on the evidence outlined above, the variant was classified as uncertain significance.

NM_001286.5(CLCN6):c.1561T>G (p.Phe521Val)

Gene: CLCN6 (chloride voltage-gated channel 6; plus strand). Cytogenetic location: 1p36.22.
Variant type: single nucleotide variant.
Coding change: c.1561T>G on transcript NM_001286.5 (MANE Select); coding-DNA position 1561, T replaced by G.
Protein change: p.Phe521Val; replaces phenylalanine 521 with valine.
Molecular consequence: missense variant. On other transcripts: non-coding transcript variant (1).
Genome position (GRCh38, 1-based): chr1:11,834,270, T>G. VCF-style: chr1-11834270-T-G. GRCh37 (hg19) VCF-style: chr1-11894327-T-G.
Other names: c.1495T>G, p.Phe499Val (NM_001256959.2); c.1561T>G (NM_001286.3, NM_001286.2); short protein forms F499V, F521V.
Identifiers: ClinVar variation 1465645 (VCV001465645.9), dbSNP rs776387131, ClinGen allele CA596546.
Genomic context (GRCh38, chr1:11,834,270, plus strand): 5'-ATGTTCTCGGTGTTTTCCTTCACTAGCTACATTGGATTGGGCCACATCTATTCGGGGACC[T>G]TTGCCCTGATTGGTGCAGCGGCTTTCTTGGGCGGGGTGGTCCGCATGACCATCAGCCTCA-3'
Protein context (NP_001277.2, residues 511-531): IGLGHIYSGT[Phe521Val]ALIGAAAFLG